The following is an entry in ClinVar:

ClinVar aggregate classification (germline): Uncertain significance (1 of 4 stars; one submission).

Conditions:
Glycogen storage disease due to muscle and heart glycogen synthase deficiency. Also called: MUSCLE GLYCOGEN SYNTHASE DEFICIENCY; GSD 0b. Identifiers: Orphanet 137625, MedGen C1969054, MONDO:0012693, OMIM 611556.

Submission:

Labcorp Genetics (formerly Invitae), Labcorp
Classification: Uncertain significance for Glycogen storage disease due to muscle and heart glycogen synthase deficiency. Last evaluated: 2022-06-26. Review status: criteria provided, single submitter. Criteria: Invitae Variant Classification Sherloc (09022015). Collection method: clinical testing. Allele origin: germline.
Comment: In summary, the available evidence is currently insufficient to determine the role of this variant in disease. Therefore, it has been classified as a Variant of Uncertain Significance. Algorithms developed to predict the effect of missense changes on protein structure and function are either unavailable or do not agree on the potential impact of this missense change (SIFT: "Tolerated"; PolyPhen-2: "Possibly Damaging"; Align-GVGD: "Class C0"). This variant has not been reported in the literature in individuals affected with GYS1-related conditions. This variant is not present in population databases (gnomAD no frequency). This sequence change replaces proline, which is neutral and non-polar, with threonine, which is neutral and polar, at codon 455 of the GYS1 protein (p.Pro455Thr).

NM_002103.5(GYS1):c.1363C>A (p.Pro455Thr)

Gene: GYS1 (glycogen synthase 1; minus strand). Cytogenetic location: 19q13.33.
Variant type: single nucleotide variant.
Coding change: c.1363C>A on transcript NM_002103.5 (MANE Select); coding-DNA position 1363, C replaced by A.
Protein change: p.Pro455Thr; replaces proline 455 with threonine.
Molecular consequence: missense variant. On other transcripts: non-coding transcript variant (1).
Genome position (GRCh38, 1-based): chr19:48,974,679, G>T on the plus strand (C>A on the coding strand, the complement: GYS1 is on the minus strand). VCF-style: chr19-48974679-G-T. GRCh37 (hg19) VCF-style: chr19-49477936-G-T.
Other names: c.1171C>A, p.Pro391Thr (NM_001161587.2); short protein forms P391T, P455T.
Identifiers: ClinVar variation 2011112 (VCV002011112.4), dbSNP rs2038617042, ClinGen allele CA406761670.
Genomic context (GRCh38, chr19:48,974,679, plus strand): 5'-CCTTCACCCTGTCGGCACTGCTATTGAAGAGGCCGATTCGGCGGATGGTGGTCAGGATGG[G>T]GTCTGAGGAGTCATCCAGCATATTGTGGGTGCACACAGGGGGGAAAGACTGCCGCTGCAG-3'
Protein context (NP_002094.2, residues 445-465): THNMLDDSSD[Pro455Thr]ILTTIRRIGL